The following is an entry in ClinVar:

ClinVar aggregate classification (germline): Likely benign. Review status: criteria provided, multiple submitters, no conflicts (2 of 4 stars). 2 submissions from 2 submitters: Likely benign (2). Last evaluated 2026-04-01.

Allele frequency attached by ClinVar (database versions not stated): ExAC 0.00001; gnomAD 0.00002; TOPMed 0.00002; gnomAD exomes 0.00003; ESP Exome Variant Server 0.00015.
gnomAD v4.1: 46 of 1,613,904 alleles (0.0029%); highest among the groups gnomAD compares: Admixed American, 0.0067%; no homozygotes.

Submissions (2):

CeGaT Center for Human Genetics Tuebingen
Classification: Likely benign. Last evaluated: 2026-04-01. Review status: criteria provided, single submitter. Criteria: CeGaT Center For Human Genetics Tuebingen Variant Classification Criteria Version 2. Collection method: clinical testing. Allele origin: germline. Affected: yes. Observed: 1 variant allele.
Comment: KCNK18: BP4, BP7

Labcorp Genetics (formerly Invitae), Labcorp
Classification: Likely benign. Last evaluated: 2024-10-29. Review status: criteria provided, single submitter. Criteria: Invitae Variant Classification Sherloc (09022015). Collection method: clinical testing. Allele origin: germline.

NM_181840.1(KCNK18):c.1035C>T (p.Ile345=)

Gene: KCNK18 (potassium two pore domain channel subfamily K member 18; plus strand). Cytogenetic location: 10q25.3.
Variant type: single nucleotide variant.
Coding change: c.1035C>T on transcript NM_181840.1 (MANE Select); coding-DNA position 1035, C replaced by T.
Protein change: p.Ile345=; no amino-acid change (isoleucine 345 retained).
Molecular consequence: synonymous variant.
Genome position (GRCh38, 1-based): chr10:117,210,179, C>T. VCF-style: chr10-117210179-C-T. GRCh37 (hg19) VCF-style: chr10-118969690-C-T.
Identifiers: ClinVar variation 2884402 (VCV002884402.5), dbSNP rs374314144, ClinGen allele CA5710124.